The following is an entry in ClinVar:

NM_016180.5(SLC45A2):c.113A>G (p.His38Arg)

Gene: SLC45A2 (solute carrier family 45 member 2; minus strand). Cytogenetic location: 5p13.2.
Variant type: single nucleotide variant.
Coding change: c.113A>G on transcript NM_016180.5 (MANE Select); coding-DNA position 113, A replaced by G.
Protein change: p.His38Arg; replaces histidine 38 with arginine.
Molecular consequence: missense variant.
Genome position (GRCh38, 1-based): chr5:33,984,471, T>C on the plus strand (A>G on the coding strand, the complement: SLC45A2 is on the minus strand). VCF-style: chr5-33984471-T-C. GRCh37 (hg19) VCF-style: chr5-33984576-T-C.
Other names: c.113A>G, p.His38Arg (NM_001012509.4, NM_001297417.4); short protein forms H38R.
Identifiers: ClinVar variation 2734711 (VCV002734711.5), dbSNP rs944029472, ClinGen allele CA116903799.
Genomic context (GRCh38, chr5:33,984,471, plus strand): 5'-GGGGTCACATACGCTGCCTCCACCGCGTAGCAGAACTCTCTTCCGAACATGGCCATGCTG[T>C]GCATGATGAGTCTGCTGGTGGGTCTTTTAGGCGGCTCCACAGAGTCAAAGGGGCCATCAT-3'
Protein context (NP_057264.4, residues 28-48): PKRPTSRLIM[His38Arg]SMAMFGREFC

ClinVar aggregate classification (germline): Pathogenic/Likely pathogenic. Review status: criteria provided, multiple submitters, no conflicts (2 of 4 stars). 3 submissions from 3 submitters: Pathogenic (1); Likely pathogenic (2). Last evaluated 2024-07-02.

Conditions:
Oculocutaneous albinism type 4 (OCA4). Also called: Albinism, oculocutaneous, type IV. Identifiers: Orphanet 79435, MedGen C1847836, MONDO:0011683, OMIM 606574.
SLC45A2-related disorder. Also called: SLC45A2-related condition.

Allele frequency attached by ClinVar (database versions not stated): gnomAD 0.00001; gnomAD exomes 0.00002; TOPMed 0.00002.
gnomAD v4.1: 27 of 1,613,648 alleles (0.0017%); highest among the groups gnomAD compares: Non-Finnish European, 0.0023%; no homozygotes.

Submissions (3):

Women's Health and Genetics/Laboratory Corporation of America, LabCorp
Classification: Pathogenic for Oculocutaneous albinism type 4. Last evaluated: 2024-07-02. Review status: criteria provided, single submitter. Criteria: LabCorp Variant Classification Summary - May 2015. Collection method: clinical testing. Allele origin: germline.
Comment: Variant summary: SLC45A2 c.113A>G (p.His38Arg) results in a non-conservative amino acid change in the encoded protein sequence. Five of five in-silico tools predict a damaging effect of the variant on protein function. The variant allele was found at a frequency of 4e-06 in 250792 control chromosomes. c.113A>G has been reported in the literature in two homozygous individuals affected with Oculocutaneous albinism type 4 (Konno_2009, Lasseuax_2018). These data indicate that the variant is likely to be associated with disease. At least one publication reports experimental evidence evaluating an impact on protein function. The most pronounced variant effect results in mutant protein functionally incapable of melanin synthesis in cultured melanocyte (Konno_2009). The following publications have been ascertained in the context of this evaluation (PMID: 19610114, 29345414). ClinVar contains an entry for this variant (Variation ID: 2734711). Based on the evidence outlined above, the variant was classified as pathogenic.

Blueprint Genetics
Classification: Likely pathogenic for SLC45A2-related disorders. Last evaluated: 2024-05-17. Review status: criteria provided, single submitter. Criteria: ACMG Guidelines, 2015. Collection method: clinical testing. Allele origin: germline. Affected: yes. Observed: 4 variant alleles.

Labcorp Genetics (formerly Invitae), Labcorp
Classification: Likely pathogenic. Last evaluated: 2024-01-26. Review status: criteria provided, single submitter. Criteria: Invitae Variant Classification Sherloc (09022015). Collection method: clinical testing. Allele origin: germline.
Comment: This sequence change replaces histidine, which is basic and polar, with arginine, which is basic and polar, at codon 38 of the SLC45A2 protein (p.His38Arg). This variant is present in population databases (no rsID available, gnomAD 0.0009%). This missense change has been observed in individuals with clinical features of oculocutaneous albinism (PMID: 19610114, 29345414; Invitae). Advanced modeling of protein sequence and biophysical properties (such as structural, functional, and spatial information, amino acid conservation, physicochemical variation, residue mobility, and thermodynamic stability) performed at Invitae indicates that this missense variant is expected to disrupt SLC45A2 protein function with a positive predictive value of 80%. Experimental studies have shown that this missense change affects SLC45A2 function (PMID: 19610114). In summary, the currently available evidence indicates that the variant is pathogenic, but additional data are needed to prove that conclusively. Therefore, this variant has been classified as Likely Pathogenic.

Literature cited by the submitters: PubMed 29345414 (cited by Women's Health and Genetics/Laboratory Corporation of America, LabCorp and Labcorp Genetics (formerly Invitae), Labcorp); PubMed 19610114 (cited by Women's Health and Genetics/Laboratory Corporation of America, LabCorp and Labcorp Genetics (formerly Invitae), Labcorp).